The following is an entry in ClinVar:

ClinVar aggregate classification (germline): Uncertain significance (1 of 4 stars; one submission).

Submission:

Labcorp Genetics (formerly Invitae), Labcorp
Classification: Uncertain significance. Last evaluated: 2024-08-11. Review status: criteria provided, single submitter. Criteria: Invitae Variant Classification Sherloc (09022015). Collection method: clinical testing. Allele origin: germline.
Comment: This sequence change replaces glycine, which is neutral and non-polar, with aspartic acid, which is acidic and polar, at codon 383 of the ACO2 protein (p.Gly383Asp). This variant is not present in population databases (gnomAD no frequency). This variant has not been reported in the literature in individuals affected with ACO2-related conditions. Advanced modeling of protein sequence and biophysical properties (such as structural, functional, and spatial information, amino acid conservation, physicochemical variation, residue mobility, and thermodynamic stability) performed at Invitae indicates that this missense variant is expected to disrupt ACO2 protein function with a positive predictive value of 80%. In summary, the available evidence is currently insufficient to determine the role of this variant in disease. Therefore, it has been classified as a Variant of Uncertain Significance.

NM_001098.3(ACO2):c.1148G>A (p.Gly383Asp)

Gene: ACO2 (aconitase 2; plus strand). Cytogenetic location: 22q13.2.
Variant type: single nucleotide variant.
Coding change: c.1148G>A on transcript NM_001098.3 (MANE Select); coding-DNA position 1148, G replaced by A.
Protein change: p.Gly383Asp; replaces glycine 383 with aspartic acid.
Molecular consequence: missense variant.
Genome position (GRCh38, 1-based): chr22:41,522,839, G>A. VCF-style: chr22-41522839-G-A. GRCh37 (hg19) VCF-style: chr22-41918843-G-A.
Other names: short protein forms G383D.
Identifiers: ClinVar variation 3662023 (VCV003662023.2).
Genomic context (GRCh38, chr22:41,522,839, plus strand): 5'-CTGCTCACTGTCTCCTCCTGACCCTTAACCCCACCACCCACAATGCACCAGGTCTAATTG[G>A]TAGCTGCACCAATTCAAGCTATGAAGATATGGGGCGCTCAGCAGCTGTGGCCAAGCAGGC-3'
Protein context (NP_001089.1, residues 373-393): WPLDIRVGLI[Gly383Asp]SCTNSSYEDM